The following is an entry in ClinVar:

ClinVar aggregate classification (germline): Pathogenic (1 of 4 stars; one submission).

Conditions:
DNA ligase IV deficiency. Identifiers: Orphanet 99812, MedGen C1847827, MONDO:0011686, OMIM 606593.

Submission:

Labcorp Genetics (formerly Invitae), Labcorp
Classification: Pathogenic for DNA ligase IV deficiency. Last evaluated: 2025-10-10. Review status: criteria provided, single submitter. Criteria: Invitae Variant Classification Sherloc (09022015). Collection method: clinical testing. Allele origin: germline.
Comment: This sequence change creates a premature translational stop signal (p.Ser170Glufs*13) in the LIG4 gene. While this is not anticipated to result in nonsense mediated decay, it is expected to disrupt the last 742 amino acid(s) of the LIG4 protein. The frequency data for this variant in the population databases is considered unreliable, as metrics indicate poor data quality at this position in the gnomAD database. This premature translational stop signal has been observed in individual(s) with clinical features of LIG4-related conditions (PMID: 35503492). In at least one individual the data is consistent with being in trans (on the opposite chromosome) from a pathogenic variant. This variant disrupts a region of the LIG4 protein in which other variant(s) (p.Arg814*) have been determined to be pathogenic (PMID: 11779494, 16088910, 24123394, 25239263, 27063650, 27612988). This suggests that this is a clinically significant region of the protein, and that variants that disrupt it are likely to be disease-causing. For these reasons, this variant has been classified as Pathogenic.

Literature cited by the submitters: PubMed 35503492; PubMed 11779494; PubMed 16088910; PubMed 24123394; PubMed 25239263; PubMed 27063650; PubMed 27612988.

NM_206937.2(LIG4):c.506dup (p.Ser170fs)

Gene: LIG4 (DNA ligase 4; minus strand). Cytogenetic location: 13q33.3.
Variant type: Duplication.
Coding change: c.506dup on transcript NM_206937.2 (MANE Select); coding-DNA position 506, one base duplicated (A; older notation c.506dupA).
Protein change: p.Ser170fs; shifts the reading frame from serine 170.
Molecular consequence: frameshift variant.
Genome position (GRCh38, 1-based): chr13:108,210,763, T duplicated on the plus strand (A on the coding strand, the reverse complement: LIG4 is on the minus strand); the first of 6 consecutive T bases (chr13:108,210,763-108,210,768); duplicating any one gives the same sequence. VCF-style (leftmost placement, unchanged base first): chr13-108210762-C-CT. GRCh37 (hg19) VCF-style: chr13-108863110-C-CT.
Other names: c.506dup, p.Ser170fs (NM_001098268.2, NM_001352598.2, NM_001352599.2 and 6 more transcripts); c.305dup, p.Ser103fs (NM_001330595.2); c.542dup, p.Ser182fs (NM_001352604.2); short protein forms S103fs, S170fs, S182fs.
Identifiers: ClinVar variation 4759956 (VCV004759956.1).